The following is an entry in ClinVar:

NM_014915.3(ANKRD26):c.1273A>G (p.Ile425Val)

Gene: ANKRD26 (ankyrin repeat domain 26; minus strand). Cytogenetic location: 10p12.1.
Variant type: single nucleotide variant.
Coding change: c.1273A>G on transcript NM_014915.3 (MANE Select); coding-DNA position 1273, A replaced by G.
Protein change: p.Ile425Val; replaces isoleucine 425 with valine.
Molecular consequence: missense variant.
Genome position (GRCh38, 1-based): chr10:27,064,078, T>C on the plus strand (A>G on the coding strand, the complement: ANKRD26 is on the minus strand). VCF-style: chr10-27064078-T-C. GRCh37 (hg19) VCF-style: chr10-27353007-T-C.
Other names: p.Ile425Val; c.1273A>G, p.Ile425Val (NM_001256053.2); short protein forms I425V.
Identifiers: ClinVar variation 260457 (VCV000260457.18), dbSNP rs12359281, ClinGen allele CA5448600.

ClinVar aggregate classification (germline): Benign/Likely benign. Review status: criteria provided, multiple submitters, no conflicts (2 of 4 stars). 9 submissions from 9 submitters: Benign (8); Likely benign (1). Last evaluated 2026-02-04.

Conditions:
Thrombocytopenia 2 (THC2). Also called: ANKRD26-Related Thrombocytopenia. Identifiers: Orphanet 268322, MedGen C1861185, MONDO:0008555, OMIM 188000.

Allele frequency attached by ClinVar (database versions not stated): gnomAD exomes 0.02545 and 0.03619; ExAC 0.03762; ESP Exome Variant Server 0.04125; gnomAD 0.04174 and 0.04203; TOPMed 0.04384; 1000 Genomes Project 0.06709; 1000 Genomes Project 30x 0.06886.
gnomAD v4.1: 43,811 of 1,605,428 alleles (2.7%); highest among the groups gnomAD compares: East Asian, 10%; 1,034 homozygotes.

Submissions (9):

Labcorp Genetics (formerly Invitae), Labcorp
Classification: Benign. Last evaluated: 2026-02-04. Review status: criteria provided, single submitter. Criteria: Invitae Variant Classification Sherloc (09022015). Collection method: clinical testing. Allele origin: germline.

ARUP Laboratories, Molecular Genetics and Genomics, ARUP Laboratories
Classification: Benign for Thrombocytopenia 2. Last evaluated: 2025-05-21. Review status: criteria provided, single submitter. Criteria: ARUP Molecular Germline Variant Investigation Process 2024. Collection method: clinical testing. Allele origin: germline.

Blueprint Genetics
Classification: Likely benign. Last evaluated: 2024-11-27. Review status: criteria provided, single submitter. Criteria: ACMG Guidelines, 2015. Collection method: clinical testing. Allele origin: germline.

Mayo Clinic Laboratories, Mayo Clinic
Classification: Benign. Last evaluated: 2022-10-21. Review status: criteria provided, single submitter. Criteria: ACMG Guidelines, 2015. Collection method: clinical testing. Allele origin: germline. Observed: 48 variant alleles.

Genome-Nilou Lab
Classification: Benign for Thrombocytopenia 2. Last evaluated: 2021-12-05. Review status: criteria provided, single submitter. Criteria: ACMG Guidelines, 2015. Collection method: clinical testing. Allele origin: germline. Affected: no.

GeneDx
Classification: Benign. Last evaluated: 2019-02-28. Review status: criteria provided, single submitter. Criteria: GeneDx Variant Classification Process June 2021. Collection method: clinical testing. Allele origin: germline. Affected: yes.

Illumina Laboratory Services, Illumina
Classification: Benign for Thrombocytopenia 2. Last evaluated: 2018-01-12. Review status: criteria provided, single submitter. Criteria: ICSL Variant Classification Criteria 13 December 2019. Collection method: clinical testing. Allele origin: germline.
Comment: This variant was observed in the ICSL laboratory as part of a predisposition screen in an ostensibly healthy population. It had not been previously curated by ICSL or reported in the Human Gene Mutation Database (HGMD: prior to June 1st, 2018), and was therefore a candidate for classification through an automated scoring system. Utilizing variant allele frequency, disease prevalence and penetrance estimates, and inheritance mode, an automated score was calculated to assess if this variant is too frequent to cause the disease. Based on the score and internal cut-off values, a variant classified as benign is not then subjected to further curation. The score for this variant resulted in a classification of benign for this disease.

Breakthrough Genomics
Classification: Benign. Review status: criteria provided, single submitter. Criteria: ACMG Guidelines, 2015. Collection method: not provided. Allele origin: germline. Inheritance: Autosomal dominant inheritance. Affected: yes.

PreventionGenetics, part of Exact Sciences
Classification: Benign. Review status: criteria provided, single submitter. Criteria: ACMG Guidelines, 2015. Collection method: clinical testing. Allele origin: germline.